The following is an entry in ClinVar:

ClinVar aggregate classification (germline): Uncertain significance. Review status: criteria provided, multiple submitters, no conflicts (2 of 4 stars). 2 submissions from 2 submitters: Uncertain significance (2). Last evaluated 2024-04-04.

Conditions:
Intellectual developmental disorder, autosomal dominant 52. Also called: Intellectual disability, autosomal dominant 52; Mental retardation, autosomal dominant 52. Identifiers: MedGen C4540478, MONDO:0030918, OMIM 617796.

gnomAD v4.1: 1 of 1,614,134 alleles (0.000062%); highest among the groups gnomAD compares: Non-Finnish European, 0.000085%; no homozygotes.

Submissions (2):

Revvity Omics, Revvity
Classification: Uncertain significance for Intellectual developmental disorder, autosomal dominant 52. Last evaluated: 2024-04-04. Review status: criteria provided, single submitter. Criteria: ACMG Guidelines, 2015. Collection method: clinical testing. Allele origin: germline.

GeneDx
Classification: Uncertain significance. Last evaluated: 2023-07-26. Review status: criteria provided, single submitter. Criteria: GeneDx Variant Classification Process June 2021. Collection method: clinical testing. Allele origin: germline. Affected: yes.
Comment: Not observed at significant frequency in large population cohorts (gnomAD); In silico analysis supports that this missense variant does not alter protein structure/function; Has not been previously published as pathogenic or benign to our knowledge

NM_018489.3(ASH1L):c.2323C>T (p.Leu775Phe)

Gene: ASH1L (ASH1 like histone lysine methyltransferase; minus strand). Cytogenetic location: 1q22.
Variant type: single nucleotide variant.
Coding change: c.2323C>T on transcript NM_018489.3 (MANE Select); coding-DNA position 2323, C replaced by T.
Protein change: p.Leu775Phe; replaces leucine 775 with phenylalanine.
Molecular consequence: missense variant.
Genome position (GRCh38, 1-based): chr1:155,480,547, G>A on the plus strand (C>T on the coding strand, the complement: ASH1L is on the minus strand). VCF-style: chr1-155480547-G-A. GRCh37 (hg19) VCF-style: chr1-155450338-G-A.
Other names: c.2323C>T, p.Leu775Phe (NM_001366177.2); short protein forms L775F.
Identifiers: ClinVar variation 3361493 (VCV003361493.2).